The following is an entry in ClinVar:

NM_001369268.1(ACAN):c.2947G>C (p.Glu983Gln)

Gene: ACAN (aggrecan; plus strand). Cytogenetic location: 15q26.1.
Variant type: single nucleotide variant.
Coding change: c.2947G>C on transcript NM_001369268.1 (MANE Select); coding-DNA position 2947, G replaced by C.
Protein change: p.Glu983Gln; replaces glutamic acid 983 with glutamine.
Molecular consequence: missense variant.
Genome position (GRCh38, 1-based): chr15:88,855,532, G>C. VCF-style: chr15-88855532-G-C. GRCh37 (hg19) VCF-style: chr15-89398763-G-C.
Other names: c.2947G>C, p.Glu983Gln (NM_001135.4, NM_001411096.1, NM_001411097.1 and 1 more transcripts); short protein forms E983Q.
Identifiers: ClinVar variation 3629918 (VCV003629918.1).

ClinVar aggregate classification (germline): Uncertain significance (1 of 4 stars; one submission).

gnomAD v4.1: 159 of 1,612,926 alleles (0.0099%); highest among the groups gnomAD compares: East Asian, 0.22%; no homozygotes.

Submission:

Women's Health and Genetics/Laboratory Corporation of America, LabCorp
Classification: Uncertain significance. Last evaluated: 2024-11-22. Review status: criteria provided, single submitter. Criteria: LabCorp Variant Classification Summary - May 2015. Collection method: clinical testing. Allele origin: germline.
Comment: Variant summary: ACAN c.2947G>C (p.Glu983Gln) results in a conservative amino acid change in the encoded protein sequence. Three of five in-silico tools predict a benign effect of the variant on protein function. The variant allele was found at a frequency of 0.00014 in 248718 control chromosomes. This frequency is not significantly higher than estimated for a pathogenic variant in ACAN causing ACAN-Related Disorders, allowing no conclusion about variant significance. c.2947G>C has been reported in the literature in a homozygous individual affected with ACAN-Related Spondyloepi(meta)physeal dysplasias (Cao_2022). These data indicate that the variant may be associated with disease. To our knowledge, no experimental evidence demonstrating an impact on protein function has been reported. The following publication have been ascertained in the context of this evaluation (PMID: 35261200). No submitters have cited clinical-significance assessments for this variant to ClinVar. Based on the evidence outlined above, the variant was classified as VUS-possibly pathogenic.

Literature cited by the submitters: PubMed 35261200.